The following is an entry in ClinVar:

ClinVar aggregate classification (germline): Pathogenic. Review status: criteria provided, multiple submitters, no conflicts (2 of 4 stars). 2 submissions from 2 submitters: Pathogenic (2). Last evaluated 2024-05-08.

Conditions:
Myopathy caused by variation in FKTN. Identifiers: MedGen CN305638, MONDO:0700067.
Walker-Warburg congenital muscular dystrophy. Also called: Muscular dystrophy-dystroglycanopathy, type A; Walker-Warburg syndrome. Identifiers: Orphanet 899, MedGen C0265221, MONDO:0000171.

Submissions (2):

Myriad Genetics, Inc.
Classification: Pathogenic for Myopathy caused by variation in FKTN. Last evaluated: 2024-05-08. Review status: criteria provided, single submitter. Criteria: Myriad Autosomal Dominant, Autosomal Recessive and X-Linked Classification Criteria (2023). Collection method: clinical testing. Allele origin: unknown.
Comment: NM_001079802.1(FKTN):c.868A>T(K290*) is expected to be pathogenic in the context of FKTN-related disorders. This variant is predicted to lead to an abnormal or absent protein product due to the creation of a premature termination codon in FKTN, a gene where loss-of-function variants are known to be pathogenic. Please note: this variant was assessed in the context of healthy population screening.

Labcorp Genetics (formerly Invitae), Labcorp
Classification: Pathogenic for Walker-Warburg congenital muscular dystrophy. Last evaluated: 2021-12-22. Review status: criteria provided, single submitter. Criteria: Invitae Variant Classification Sherloc (09022015). Collection method: clinical testing. Allele origin: germline.
Comment: This sequence change creates a premature translational stop signal (p.Lys290*) in the FKTN gene. It is expected to result in an absent or disrupted protein product. Loss-of-function variants in FKTN are known to be pathogenic (PMID: 17044012, 17878207, 18752264). This variant is not present in population databases (gnomAD no frequency). This variant has not been reported in the literature in individuals affected with FKTN-related conditions. ClinVar contains an entry for this variant (Variation ID: 657849). For these reasons, this variant has been classified as Pathogenic.

Literature cited by the submitters: PubMed 17044012 (cited by Labcorp Genetics (formerly Invitae), Labcorp); PubMed 17878207 (cited by Labcorp Genetics (formerly Invitae), Labcorp); PubMed 18752264 (cited by Labcorp Genetics (formerly Invitae), Labcorp).

NM_001079802.2(FKTN):c.868A>T (p.Lys290Ter)

Gene: FKTN (fukutin; plus strand). Cytogenetic location: 9q31.2.
Variant type: single nucleotide variant.
Coding change: c.868A>T on transcript NM_001079802.2 (MANE Select); coding-DNA position 868, A replaced by T.
Protein change: p.Lys290Ter; replaces lysine 290 with a stop codon.
Molecular consequence: nonsense. On other transcripts: non-coding transcript variant (1).
Genome position (GRCh38, 1-based): chr9:105,615,365, A>T. VCF-style: chr9-105615365-A-T. GRCh37 (hg19) VCF-style: chr9-108377646-A-T.
Other names: c.868A>T, p.Lys290Ter (NM_001198963.2, NM_001351496.2, NM_001351498.2 and 1 more transcripts); c.799A>T, p.Lys267Ter (NM_001351497.2); c.472A>T, p.Lys158Ter (NM_001351499.2, NM_001351500.2, NM_001351501.2 and 1 more transcripts); short protein forms K290*, K267*, K158*.
Identifiers: ClinVar variation 657849 (VCV000657849.7), dbSNP rs1438288380, ClinGen allele CA374377273.
Genomic context (GRCh38, chr9:105,615,365, plus strand): 5'-GCTGTGGCCTTTCGGAAGAGTGCAAAGGAATTACTGCAACTAGCAGCGAAAACATTAAAC[A>T]AATTGGGAGTACCATTCTGGCTGAGCAGTGGAACTTGTCTAGGTAAAATTCTTACGACTT-3'